The following is an entry in ClinVar:

ClinVar aggregate classification (germline): Uncertain significance. Review status: criteria provided, multiple submitters, no conflicts (2 of 4 stars). 3 submissions from 3 submitters: Uncertain significance (2). 1 of the submissions does not count toward it. Last evaluated 2025-05-20.

Conditions:
Surfactant metabolism dysfunction, pulmonary, 5 (SMDP5). Also called: PULMONARY ALVEOLAR PROTEINOSIS 5; PAP DUE TO CSF2RB DEFICIENCY; CSF2RB DEFICIENCY. Identifiers: Orphanet 264675, MedGen C3280574, MONDO:0013712, OMIM 614370.
CSF2RB-related disorder. Also called: CSF2RB-related condition.
Inborn genetic diseases. Identifiers: MedGen C0950123, MeSH D030342.

Allele frequency attached by ClinVar (database versions not stated): 1000 Genomes Project 0.00040; 1000 Genomes Project 30x 0.00047; ESP Exome Variant Server 0.00047; ExAC 0.00050; gnomAD 0.00081; TOPMed 0.00081.
gnomAD v4.1: 257 of 1,568,872 alleles (0.016%); highest among the groups gnomAD compares: African/African-American, 0.22%; 1 homozygote.

Submissions (3):

Ambry Genetics
Classification: Uncertain significance for Inborn genetic diseases. Last evaluated: 2025-05-20. Review status: criteria provided, single submitter. Criteria: Ambry Variant Classification Scheme 2023. Collection method: clinical testing. Allele origin: germline.

Revvity Omics, Revvity
Classification: Uncertain significance for Surfactant metabolism dysfunction, pulmonary, 5. Last evaluated: 2021-10-17. Review status: criteria provided, single submitter. Criteria: ACMG Guidelines, 2015. Collection method: clinical testing. Allele origin: germline.

PreventionGenetics, part of Exact Sciences
Classification: Likely benign for CSF2RB-related condition. Last evaluated: 2024-09-10. Review status: no assertion criteria provided. Collection method: clinical testing. Allele origin: germline. Not counted in ClinVar's aggregate classification.
Comment: This variant is classified as likely benign based on ACMG/AMP sequence variant interpretation guidelines (Richards et al. 2015 PMID: 25741868, with internal and published modifications).

NM_000395.3(CSF2RB):c.1943C>T (p.Pro648Leu)

Gene: CSF2RB (colony stimulating factor 2 receptor subunit beta; plus strand). Cytogenetic location: 22q12.3.
Variant type: single nucleotide variant.
Coding change: c.1943C>T on transcript NM_000395.3 (MANE Select); coding-DNA position 1943, C replaced by T.
Protein change: p.Pro648Leu; replaces proline 648 with leucine.
Molecular consequence: missense variant.
Genome position (GRCh38, 1-based): chr22:36,937,751, C>T. VCF-style: chr22-36937751-C-T. GRCh37 (hg19) VCF-style: chr22-37333793-C-T.
Other names: c.1961C>T, p.Pro654Leu (NM_001410827.1); c.1943C>T (NM_000395.2); short protein forms P648L, P654L.
Identifiers: ClinVar variation 2440580 (VCV002440580.7), dbSNP rs200724880, ClinGen allele CA10214009.